The following is an entry in ClinVar:

ClinVar aggregate classification (germline): Uncertain significance (1 of 4 stars; one submission).

Conditions:
Developmental and epileptic encephalopathy, 12 (DEE12). Identifiers: MedGen C3150988, MONDO:0013389, OMIM 613722.

Submission:

Labcorp Genetics (formerly Invitae), Labcorp
Classification: Uncertain significance for Developmental and epileptic encephalopathy, 12. Last evaluated: 2024-06-17. Review status: criteria provided, single submitter. Criteria: Invitae Variant Classification Sherloc (09022015). Collection method: clinical testing. Allele origin: germline.
Comment: This sequence change falls in intron 2 of the PLCB1 gene. It does not directly change the encoded amino acid sequence of the PLCB1 protein. It affects a nucleotide within the consensus splice site. This variant is not present in population databases (gnomAD no frequency). This variant has not been reported in the literature in individuals affected with PLCB1-related conditions. ClinVar contains an entry for this variant (Variation ID: 1351831). Variants that disrupt the consensus splice site are a relatively common cause of aberrant splicing (PMID: 17576681, 9536098). Algorithms developed to predict the effect of sequence changes on RNA splicing suggest that this variant is not likely to affect RNA splicing. In summary, the available evidence is currently insufficient to determine the role of this variant in disease. Therefore, it has been classified as a Variant of Uncertain Significance.

Literature cited by the submitters: PubMed 17576681; PubMed 9536098.

NM_015192.4(PLCB1):c.178-3C>T

Gene: PLCB1 (phospholipase C beta 1; plus strand). Cytogenetic location: 20p12.3.
Variant type: single nucleotide variant.
Coding change: c.178-3C>T on transcript NM_015192.4 (MANE Select); 3 bases into the intron before coding-DNA position 178, C replaced by T.
Molecular consequence: intron variant.
Genome position (GRCh38, 1-based): chr20:8,371,379, C>T. VCF-style: chr20-8371379-C-T. GRCh37 (hg19) VCF-style: chr20-8352026-C-T.
Other names: c.178-3C>T (NM_182734.3).
Identifiers: ClinVar variation 1351831 (VCV001351831.6), dbSNP rs2122343481, ClinGen allele CA2573157028.